The following is an entry in ClinVar:

NM_000016.6(ACADM):c.467del (p.Cys156fs)

Gene: ACADM (acyl-CoA dehydrogenase medium chain; plus strand). Cytogenetic location: 1p31.1.
Variant type: Deletion.
Coding change: c.467del on transcript NM_000016.6 (MANE Select); coding-DNA position 467, one base deleted (G; older notation c.467delG).
Protein change: p.Cys156fs; shifts the reading frame from cysteine 156.
Molecular consequence: frameshift variant. On other transcripts: intron variant (1).
Genome position (GRCh38, 1-based): chr1:75,734,870, G deleted. VCF-style (leftmost placement, unchanged base first): chr1-75734869-TG-T. GRCh37 (hg19) VCF-style: chr1-76200554-TG-T.
Other names: c.479del, p.Cys160fs (NM_001127328.3); c.359del, p.Cys120fs (NM_001286042.2); c.566del, p.Cys189fs (NM_001286043.2); c.-100+1948del (NM_001286044.2); short protein forms C120fs, C156fs, C160fs, C189fs.
Identifiers: ClinVar variation 1726138 (VCV001726138.2), dbSNP rs2525586702, ClinGen allele CA2580063250.

ClinVar aggregate classification (germline): Likely pathogenic (1 of 4 stars; one submission).

Conditions:
Medium-chain acyl-coenzyme A dehydrogenase deficiency (ACADMD). Also called: MCADD; CARNITINE DEFICIENCY SECONDARY TO MEDIUM-CHAIN ACYL-CoA DEHYDROGENASE DEFICIENCY; MCAD Deficiency; MCADH DEFICIENCY; Medium chain acyl-CoA dehydrogenase deficiency; ACADM DEFICIENCY. Identifiers: Orphanet 42, MedGen C0220710, MONDO:0008721, OMIM 201450.

Submission:

Myriad Genetics, Inc.
Classification: Likely pathogenic for Medium-chain acyl-coenzyme A dehydrogenase deficiency. Last evaluated: 2022-05-18. Review status: criteria provided, single submitter. Criteria: Myriad Women's Health Autosomal Recessive and X-Linked Classification Criteria (2021). Collection method: clinical testing. Allele origin: unknown.
Comment: NM_000016.4(ACADM):c.467delG(C156Lfs*5) is expected to be pathogenic in the context of medium chain acyl-CoA dehydrogenase deficiency. This variant is predicted to lead to an abnormal or absent protein product due to the creation of a premature termination codon in ACADM, a gene where loss-of-function variants are known to be pathogenic. Please note: this variant was assessed in the context of healthy population screening.